The following is an entry in ClinVar:

ClinVar aggregate classification (germline): Uncertain significance (1 of 4 stars; one submission).

Conditions:
Nephrolithiasis/nephrocalcinosis. Identifiers: MedGen CN580796.

Submission:

Ambry Genetics
Classification: Uncertain significance for Nephrolithiasis/nephrocalcinosis. Last evaluated: 2022-08-05. Review status: criteria provided, single submitter. Criteria: Ambry Variant Classification Scheme 2023. Collection method: clinical testing. Allele origin: germline.
Comment: The p.R866G variant (also known as c.2596C>G), located in coding exon 6 of the CASR gene, results from a C to G substitution at nucleotide position 2596. The arginine at codon 866 is replaced by glycine, an amino acid with dissimilar properties. This amino acid position is conserved. In addition, this alteration is predicted to be deleterious by in silico analysis. Since supporting evidence is limited at this time, the clinical significance of this alteration remains unclear.

NM_000388.4(CASR):c.2596C>G (p.Arg866Gly)

Gene: CASR (calcium sensing receptor; plus strand). Cytogenetic location: 3q21.1.
Variant type: single nucleotide variant.
Coding change: c.2596C>G on transcript NM_000388.4 (MANE Select); coding-DNA position 2596, C replaced by G.
Protein change: p.Arg866Gly; replaces arginine 866 with glycine.
Molecular consequence: missense variant.
Genome position (GRCh38, 1-based): chr3:122,284,550, C>G. VCF-style: chr3-122284550-C-G. GRCh37 (hg19) VCF-style: chr3-122003397-C-G.
Other names: c.2626C>G, p.Arg876Gly (NM_001178065.2); short protein forms R866G, R876G.
Identifiers: ClinVar variation 1793572 (VCV001793572.2), dbSNP rs1576878170, ClinGen allele CA354160371.